The following is an entry in ClinVar:

ClinVar aggregate classification (germline): Uncertain significance (1 of 4 stars; one submission).

Conditions:
Epilepsy. Also called: Seizure disorder. Identifiers: MedGen C0014544, MeSH D004827, MONDO:0005027.

Allele frequency attached by ClinVar (database versions not stated): ExAC 0.00004; TOPMed 0.00005; gnomAD 0.00010; ESP Exome Variant Server 0.00015.
gnomAD v4.1: 77 of 1,561,148 alleles (0.0049%); highest among the groups gnomAD compares: African/African-American, 0.0095%; no homozygotes.

Submission:

Labcorp Genetics (formerly Invitae), Labcorp
Classification: Uncertain significance for Epilepsy. Last evaluated: 2021-08-28. Review status: criteria provided, single submitter. Criteria: Invitae Variant Classification Sherloc (09022015). Collection method: clinical testing. Allele origin: germline.
Comment: This sequence change falls in intron 2 of the PIGQ gene. It does not directly change the encoded amino acid sequence of the PIGQ protein. It affects a nucleotide within the consensus splice site of the intron. This variant is present in population databases (rs370348620, ExAC 0.01%). This variant has not been reported in the literature in individuals affected with PIGQ-related conditions. ClinVar contains an entry for this variant (Variation ID: 456052). Variants that disrupt the consensus splice site are a relatively common cause of aberrant splicing (PMID: 17576681, 9536098). Algorithms developed to predict the effect of sequence changes on RNA splicing suggest that this variant is not likely to affect RNA splicing. In summary, the available evidence is currently insufficient to determine the role of this variant in disease. Therefore, it has been classified as a Variant of Uncertain Significance.

Literature cited by the submitters: PubMed 17576681; PubMed 9536098.

NM_004204.5(PIGQ):c.690-3C>T

Gene: PIGQ (phosphatidylinositol glycan anchor biosynthesis class Q; plus strand). Cytogenetic location: 16p13.3.
Variant type: single nucleotide variant.
Coding change: c.690-3C>T on transcript NM_004204.5 (MANE Select); 3 bases into the intron before coding-DNA position 690, C replaced by T.
Molecular consequence: intron variant.
Genome position (GRCh38, 1-based): chr16:575,836, C>T. VCF-style: chr16-575836-C-T. GRCh37 (hg19) VCF-style: chr16-625836-C-T.
Other names: c.690-3C>T (NM_148920.4).
Identifiers: ClinVar variation 456052 (VCV000456052.6), dbSNP rs370348620, ClinGen allele CA7779952.